The following is an entry in ClinVar:

ClinVar aggregate classification (germline): Uncertain significance (1 of 4 stars; one submission).

Allele frequency attached by ClinVar (database versions not stated): gnomAD exomes below 0.00001; gnomAD 0.00001; TOPMed 0.00001.
gnomAD v4.1: 4 of 1,613,780 alleles (0.00025%); highest among the groups gnomAD compares: African/African-American, 0.0053%; no homozygotes.

Submission:

Labcorp Genetics (formerly Invitae), Labcorp
Classification: Uncertain significance. Last evaluated: 2022-01-15. Review status: criteria provided, single submitter. Criteria: Invitae Variant Classification Sherloc (09022015). Collection method: clinical testing. Allele origin: germline.
Comment: This sequence change replaces threonine, which is neutral and polar, with isoleucine, which is neutral and non-polar, at codon 2194 of the PCLO protein (p.Thr2194Ile). This variant is present in population databases (no rsID available, gnomAD 0.007%). This variant has not been reported in the literature in individuals affected with PCLO-related conditions. Algorithms developed to predict the effect of missense changes on protein structure and function are either unavailable or do not agree on the potential impact of this missense change (SIFT: "Tolerated"; PolyPhen-2: "Not Available"; Align-GVGD: "Class C0"). In summary, the available evidence is currently insufficient to determine the role of this variant in disease. Therefore, it has been classified as a Variant of Uncertain Significance.

NM_033026.6(PCLO):c.6581C>T (p.Thr2194Ile)

Gene: PCLO (piccolo presynaptic cytomatrix protein; minus strand). Cytogenetic location: 7q21.11.
Variant type: single nucleotide variant.
Coding change: c.6581C>T on transcript NM_033026.6 (MANE Select); coding-DNA position 6581, C replaced by T.
Protein change: p.Thr2194Ile; replaces threonine 2194 with isoleucine.
Molecular consequence: missense variant.
Genome position (GRCh38, 1-based): chr7:82,954,372, G>A on the plus strand (C>T on the coding strand, the complement: PCLO is on the minus strand). VCF-style: chr7-82954372-G-A. GRCh37 (hg19) VCF-style: chr7-82583688-G-A.
Other names: c.6581C>T, p.Thr2194Ile (NM_014510.3); short protein forms T2194I.
Identifiers: ClinVar variation 1363269 (VCV001363269.5), dbSNP rs1192036657, ClinGen allele CA367918964.